The following is an entry in ClinVar:

NM_000170.3(GLDC):c.2380_2399del (p.Ala794fs)

Gene: GLDC (glycine decarboxylase; minus strand). Cytogenetic location: 9p24.1.
Variant type: Deletion.
Coding change: c.2380_2399del on transcript NM_000170.3 (MANE Select); coding-DNA positions 2380 to 2399, 20 bases deleted (GCCTGTCCTGTGGGAACCGT).
Protein change: p.Ala794fs; shifts the reading frame from alanine 794.
Molecular consequence: frameshift variant.
Genome position (GRCh38, 1-based): chr9:6,553,426-6,553,445, ACGGTTCCCACAGGACAGGC deleted on the plus strand (GCCTGTCCTGTGGGAACCGT on the coding strand, the reverse complement: GLDC is on the minus strand); deleting any 20 consecutive bases within chr9:6,553,426-6,553,446 gives the same sequence; the c. name uses the placement nearest the transcript's 3' end. VCF-style (leftmost placement, unchanged base first): chr9-6553425-GACGGTTCCCACAGGACAGGC-G. GRCh37 (hg19) VCF-style: chr9-6553425-GACGGTTCCCACAGGACAGGC-G.
Other names: short protein forms A794fs.
Identifiers: ClinVar variation 930882 (VCV000930882.8), dbSNP rs1817555980, ClinGen allele CA1139660881.

ClinVar aggregate classification (germline): Pathogenic/Likely pathogenic. Review status: criteria provided, multiple submitters, no conflicts (2 of 4 stars). 2 submissions from 2 submitters: Pathogenic (1); Likely pathogenic (1). Last evaluated 2022-03-05.

Conditions:
Glycine encephalopathy. Also called: Nonketotic hyperglycinemia; Non-ketotic hyperglycinemia. Identifiers: Orphanet 407, MedGen C0751748, MONDO:0011612, HP:0008288.

Submissions (2):

Labcorp Genetics (formerly Invitae), Labcorp
Classification: Pathogenic for Glycine encephalopathy. Last evaluated: 2022-03-05. Review status: criteria provided, single submitter. Criteria: Invitae Variant Classification Sherloc (09022015). Collection method: clinical testing. Allele origin: germline.
Comment: For these reasons, this variant has been classified as Pathogenic. This sequence change creates a premature translational stop signal (p.Ala794Glnfs*27) in the GLDC gene. It is expected to result in an absent or disrupted protein product. Loss-of-function variants in GLDC are known to be pathogenic (PMID: 16601880). This variant is not present in population databases (gnomAD no frequency). This premature translational stop signal has been observed in individual(s) with non-ketotic hyperglycinemia (PMID: 27362913). ClinVar contains an entry for this variant (Variation ID: 930882).

Centre for Mendelian Genomics, University Medical Centre Ljubljana
Classification: Likely pathogenic for Glycine encephalopathy 1. Last evaluated: 2019-03-20. Review status: criteria provided, single submitter. Criteria: ACMG Guidelines, 2015. Collection method: clinical testing. Allele origin: unknown. Affected: yes.
Comment: This variant was classified as: Likely pathogenic. The following ACMG criteria were applied in classifying this variant: PVS1,PM2.

Literature cited by the submitters: PubMed 16601880 (cited by Labcorp Genetics (formerly Invitae), Labcorp); PubMed 27362913 (cited by Labcorp Genetics (formerly Invitae), Labcorp).